The following is an entry in ClinVar:

NM_000245.4(MET):c.3778T>C (p.Phe1260Leu)

Gene: MET (MET proto-oncogene, receptor tyrosine kinase; plus strand). Cytogenetic location: 7q31.2.
Variant type: single nucleotide variant.
Coding change: c.3778T>C on transcript NM_000245.4 (MANE Select); coding-DNA position 3778, T replaced by C.
Protein change: p.Phe1260Leu; replaces phenylalanine 1260 with leucine.
Molecular consequence: missense variant.
Genome position (GRCh38, 1-based): chr7:116,783,449, T>C. VCF-style: chr7-116783449-T-C. GRCh37 (hg19) VCF-style: chr7-116423503-T-C.
Other names: c.3832T>C, p.Phe1278Leu (NM_001127500.3); c.2488T>C, p.Phe830Leu (NM_001324402.2); short protein forms F1260L, F1278L, F830L.
Identifiers: ClinVar variation 2860691 (VCV002860691.3), dbSNP rs2117067416, ClinGen allele CA368992005.
Genomic context (GRCh38, chr7:116,783,449, plus strand): 5'-AAAACAGGTGCAAAGCTGCCAGTGAAGTGGATGGCTTTGGAAAGTCTGCAAACTCAAAAG[T>C]TTACCACCAAGTCAGATGTGGTAATGTATTGGTTATCTCTGAGTTTCTCCTCTTTTACTT-3'
Protein context (NP_000236.2, residues 1250-1270): MALESLQTQK[Phe1260Leu]TTKSDVWSFG

ClinVar aggregate classification (germline): Uncertain significance (1 of 4 stars; one submission).

Conditions:
Renal cell carcinoma. Identifiers: Orphanet 217071, MedGen C0007134, MeSH D002292, MONDO:0005086, HP:0005584.

Submission:

Labcorp Genetics (formerly Invitae), Labcorp
Classification: Uncertain significance for Renal cell carcinoma. Last evaluated: 2023-05-09. Review status: criteria provided, single submitter. Criteria: Invitae Variant Classification Sherloc (09022015). Collection method: clinical testing. Allele origin: germline.
Comment: Advanced modeling of protein sequence and biophysical properties (such as structural, functional, and spatial information, amino acid conservation, physicochemical variation, residue mobility, and thermodynamic stability) performed at Invitae indicates that this missense variant is expected to disrupt MET protein function. In summary, the available evidence is currently insufficient to determine the role of this variant in disease. Therefore, it has been classified as a Variant of Uncertain Significance. This variant has not been reported in the literature in individuals affected with MET-related conditions. This variant is not present in population databases (gnomAD no frequency). This sequence change replaces phenylalanine, which is neutral and non-polar, with leucine, which is neutral and non-polar, at codon 1278 of the MET protein (p.Phe1278Leu).